The following is an entry in ClinVar:

NM_181523.3(PIK3R1):c.1156C>T (p.Arg386Ter)

Gene: PIK3R1 (phosphoinositide-3-kinase regulatory subunit 1; plus strand). Cytogenetic location: 5q13.1.
Variant type: single nucleotide variant.
Coding change: c.1156C>T on transcript NM_181523.3 (MANE Select); coding-DNA position 1156, C replaced by T.
Protein change: p.Arg386Ter; replaces arginine 386 with a stop codon.
Molecular consequence: nonsense.
Genome position (GRCh38, 1-based): chr5:68,293,340, C>T. VCF-style: chr5-68293340-C-T. GRCh37 (hg19) VCF-style: chr5-67589168-C-T.
Other names: c.67C>T, p.Arg23Ter (NM_001242466.2); c.346C>T, p.Arg116Ter (NM_181504.4); c.256C>T, p.Arg86Ter (NM_181524.2); c.1156C>T (NM_181523.2); short protein forms R116*, R23*, R386*, R86*.
Identifiers: ClinVar variation 3748560 (VCV003748560.3).

ClinVar aggregate classification (germline): Pathogenic/Likely pathogenic. Review status: criteria provided, multiple submitters, no conflicts (2 of 4 stars). 2 submissions from 2 submitters: Pathogenic (1); Likely pathogenic (1). Last evaluated 2024-12-04.

Conditions:
PIK3R1-related disorder. Also called: PIK3R1-related condition.
Agammaglobulinemia 7, autosomal recessive (AGM7). Also called: AGAMMAGLOBULINEMIA, AUTOSOMAL RECESSIVE, DUE TO PIK3R1 DEFECT. Identifiers: MedGen C3554689, MONDO:0014083, OMIM 615214.
SHORT syndrome. Also called: LIPODYSTROPHY, PARTIAL, WITH RIEGER ANOMALY AND SHORT STATURE; PIK3R1-Related SHORT Syndrome; SHORT STATURE, HYPEREXTENSIBILITY, HERNIA, OCULAR DEPRESSION, RIEGER ANOMALY, AND TEETHING DELAY. Identifiers: Orphanet 3163, MedGen C0878684, MONDO:0010026, OMIM 269880.
Immunodeficiency 36 with lymphoproliferation. Also called: Activated PI3K Delta Syndrome Type 2 (APDS2); ACTIVATED PI3K-DELTA SYNDROME 2; Immunodeficiency 36. Identifiers: Orphanet 397596, Orphanet 693681, MedGen C4014934, MONDO:0014453, OMIM 616005.

gnomAD v4.1: 2 of 1,612,384 alleles (0.00012%); highest among the groups gnomAD compares: Non-Finnish European, 0.000085%; no homozygotes.

Submissions (2):

PreventionGenetics, part of Exact Sciences
Classification: Likely pathogenic for PIK3R1-related condition. Last evaluated: 2024-12-04. Review status: criteria provided, single submitter. Criteria: ACMG Guidelines, 2015. Collection method: clinical testing. Allele origin: germline.
Comment: The PIK3R1 c.1156C>T variant is predicted to result in premature protein termination (p.Arg386*). To our knowledge, this variant has not been reported in the literature in individuals with PIK3R1-related disorders or in a large population database (gnomAD), indicating this variant is rare. Nonsense variants in PIK3R1 are expected to be pathogenic. This variant is interpreted as likely pathogenic.

Labcorp Genetics (formerly Invitae), Labcorp
Classification: Pathogenic for SHORT syndrome; Immunodeficiency 36 with lymphoproliferation; Agammaglobulinemia 7, autosomal recessive. Last evaluated: 2024-02-16. Review status: criteria provided, single submitter. Criteria: Invitae Variant Classification Sherloc (09022015). Collection method: clinical testing. Allele origin: germline.
Comment: This sequence change creates a premature translational stop signal (p.Arg386*) in the PIK3R1 gene. It is expected to result in an absent or disrupted protein product. Loss-of-function variants in PIK3R1 are known to be pathogenic (PMID: 22351933, 25133428). This variant is not present in population databases (gnomAD no frequency). This variant has not been reported in the literature in individuals affected with PIK3R1-related conditions. Algorithms developed to predict the effect of sequence changes on RNA splicing suggest that this variant may disrupt the consensus splice site. For these reasons, this variant has been classified as Pathogenic.

Literature cited by the submitters: PubMed 22351933 (cited by Labcorp Genetics (formerly Invitae), Labcorp); PubMed 25133428 (cited by Labcorp Genetics (formerly Invitae), Labcorp).